The following is an entry in ClinVar:

ClinVar aggregate classification (germline): Uncertain significance (1 of 4 stars; one submission).

Submission:

CeGaT Center for Human Genetics Tuebingen
Classification: Uncertain significance. Last evaluated: 2025-12-01. Review status: criteria provided, single submitter. Criteria: CeGaT Center For Human Genetics Tuebingen Variant Classification Criteria Version 2. Collection method: clinical testing. Allele origin: germline. Affected: yes. Observed: 1 variant allele.
Comment: RRAGD: PM2, PP2

NM_021244.5(RRAGD):c.826A>G (p.Thr276Ala)

Gene: RRAGD (Ras related GTP binding D; minus strand). Cytogenetic location: 6q15.
Variant type: single nucleotide variant.
Coding change: c.826A>G on transcript NM_021244.5 (MANE Select); coding-DNA position 826, A replaced by G.
Protein change: p.Thr276Ala; replaces threonine 276 with alanine.
Molecular consequence: missense variant.
Genome position (GRCh38, 1-based): chr6:89,377,747, T>C on the plus strand (A>G on the coding strand, the complement: RRAGD is on the minus strand). VCF-style: chr6-89377747-T-C. GRCh37 (hg19) VCF-style: chr6-90087466-T-C.
Other names: short protein forms T276A.
Identifiers: ClinVar variation 4681653 (VCV004681653.5).